The following is an entry in ClinVar:

NM_002878.4(RAD51D):c.351T>A (p.Cys117Ter)

Genes: RAD51L3-RFFL (RAD51L3-RFFL readthrough; minus strand), RAD51D (RAD51 paralog D; minus strand). Cytogenetic location: 17q12.
Variant type: single nucleotide variant.
Coding change: c.351T>A on transcript NM_002878.4 (MANE Select); coding-DNA position 351, T replaced by A.
Protein change: p.Cys117Ter; replaces cysteine 117 with a stop codon.
Molecular consequence: nonsense. On other transcripts: non-coding transcript variant (1), intron variant (1).
Genome position (GRCh38, 1-based): chr17:35,107,117, A>T on the plus strand (T>A on the coding strand, the complement: RAD51D is on the minus strand). VCF-style: chr17-35107117-A-T. GRCh37 (hg19) VCF-style: chr17-33434136-A-T.
Other names: c.145-636T>A (NM_133629.3); c.411T>A, p.Cys137Ter (NM_001142571.2); short protein forms C117*, C137*.
Identifiers: ClinVar variation 539859 (VCV000539859.11), dbSNP rs1555568382, ClinGen allele CA399089400.

ClinVar aggregate classification (germline): Pathogenic. Review status: criteria provided, multiple submitters, no conflicts (2 of 4 stars). 3 submissions from 3 submitters: Pathogenic (3). Last evaluated 2025-09-10.

Conditions:
Hereditary cancer-predisposing syndrome. Also called: Neoplastic Syndromes, Hereditary; Hereditary Cancer Syndrome; Hereditary neoplastic syndrome; Tumor predisposition. Identifiers: Orphanet 140162, MedGen C0027672, MeSH D009386, MONDO:0015356.
Breast-ovarian cancer, familial, susceptibility to, 4. Identifiers: Orphanet 145, MedGen C3280345, MONDO:0013669, OMIM 614291.

Submissions (3):

Labcorp Genetics (formerly Invitae), Labcorp
Classification: Pathogenic for Breast-ovarian cancer, familial, susceptibility to, 4. Last evaluated: 2025-09-10. Review status: criteria provided, single submitter. Criteria: Invitae Variant Classification Sherloc (09022015). Collection method: clinical testing. Allele origin: germline.
Comment: This sequence change creates a premature translational stop signal (p.Cys117*) in the RAD51D gene. It is expected to result in an absent or disrupted protein product. Loss-of-function variants in RAD51D are known to be pathogenic (PMID: 21822267). This variant is not present in population databases (gnomAD no frequency). This variant has not been reported in the literature in individuals affected with RAD51D-related conditions. ClinVar contains an entry for this variant (Variation ID: 539859). For these reasons, this variant has been classified as Pathogenic.

Ambry Genetics
Classification: Pathogenic for Hereditary cancer-predisposing syndrome. Last evaluated: 2023-12-04. Review status: criteria provided, single submitter. Criteria: Ambry Variant Classification Scheme 2023. Collection method: clinical testing. Allele origin: germline.
Comment: The p.C117* pathogenic mutation (also known as c.351T>A), located in coding exon 5 of the RAD51D gene, results from a T to A substitution at nucleotide position 351. This changes the amino acid from a cysteine to a stop codon within coding exon 5. This alteration is expected to result in loss of function by premature protein truncation or nonsense-mediated mRNA decay. As such, this alteration is interpreted as a disease-causing mutation.

Color Diagnostics, LLC DBA Color Health
Classification: Pathogenic for Hereditary cancer-predisposing syndrome. Last evaluated: 2021-10-25. Review status: criteria provided, single submitter. Criteria: ACMG Guidelines, 2015. Collection method: clinical testing. Allele origin: germline.
Comment: This variant changes 1 nucleotide in exon 5 of the RAD51D gene, creating a premature translation stop signal. This variant is expected to result in an absent or non-functional protein product. To our knowledge, this variant has not been reported in individuals affected with hereditary cancer in the literature. This variant has not been identified in the general population by the Genome Aggregation Database (gnomAD). Loss of RAD51D function is a known mechanism of disease. Based on the available evidence, this variant is classified as Pathogenic.

Literature cited by the submitters: PubMed 21822267 (cited by Labcorp Genetics (formerly Invitae), Labcorp).